The following is an entry in ClinVar:

NM_000053.4(ATP7B):c.4022G>T (p.Gly1341Val)

Gene: ATP7B (ATPase copper transporting beta; minus strand). Cytogenetic location: 13q14.3.
Variant type: single nucleotide variant.
Coding change: c.4022G>T on transcript NM_000053.4 (MANE Select); coding-DNA position 4022, G replaced by T.
Protein change: p.Gly1341Val; replaces glycine 1341 with valine.
Molecular consequence: missense variant.
Genome position (GRCh38, 1-based): chr13:51,935,695, C>A on the plus strand (G>T on the coding strand, the complement: ATP7B is on the minus strand). VCF-style: chr13-51935695-C-A. GRCh37 (hg19) VCF-style: chr13-52509831-C-A.
Other names: c.3401G>T, p.Gly1134Val (NM_001005918.3); c.3689G>T, p.Gly1230Val (NM_001243182.2); c.3788G>T, p.Gly1263Val (NM_001330578.2); c.3770G>T, p.Gly1257Val (NM_001330579.2); short protein forms G1263V, G1341V, G1230V, G1257V, G1134V.
Identifiers: ClinVar variation 1488485 (VCV001488485.9), dbSNP rs779494870, ClinGen allele CA388020308.

ClinVar aggregate classification (germline): Pathogenic. Review status: criteria provided, multiple submitters, no conflicts (2 of 4 stars). 2 submissions from 2 submitters: Pathogenic (2). Last evaluated 2023-12-19.

Conditions:
Wilson disease (WND). Also called: Wilson's disease. Identifiers: Orphanet 905, MedGen C0019202, MONDO:0010200, OMIM 277900. Disease mechanism: loss of function.

Submissions (2):

Baylor Genetics
Classification: Pathogenic for Wilson disease. Last evaluated: 2023-12-19. Review status: criteria provided, single submitter. Criteria: ACMG Guidelines, 2015. Collection method: clinical testing. Allele origin: unknown.

Labcorp Genetics (formerly Invitae), Labcorp
Classification: Pathogenic for Wilson disease. Last evaluated: 2023-11-28. Review status: criteria provided, single submitter. Criteria: Invitae Variant Classification Sherloc (09022015). Collection method: clinical testing. Allele origin: germline.
Comment: This sequence change replaces glycine, which is neutral and non-polar, with valine, which is neutral and non-polar, at codon 1341 of the ATP7B protein (p.Gly1341Val). This variant is not present in population databases (gnomAD no frequency). This missense change has been observed in individual(s) with Wilson disease (PMID: 17272994, 32043565). In at least one individual the data is consistent with being in trans (on the opposite chromosome) from a pathogenic variant. ClinVar contains an entry for this variant (Variation ID: 1488485). An algorithm developed to predict the effect of missense changes on protein structure and function (PolyPhen-2) suggests that this variant is likely to be disruptive. Experimental studies have shown that this missense change affects ATP7B function (PMID: 19937698). This variant disrupts the p.Gly1341 amino acid residue in ATP7B. Other variant(s) that disrupt this residue have been determined to be pathogenic (PMID: 16283883, 21610751, 21682854, 22484412). This suggests that this residue is clinically significant, and that variants that disrupt this residue are likely to be disease-causing. For these reasons, this variant has been classified as Pathogenic.

Literature cited by the submitters: PubMed 17272994 (cited by Labcorp Genetics (formerly Invitae), Labcorp); PubMed 32043565 (cited by Labcorp Genetics (formerly Invitae), Labcorp); PubMed 19937698 (cited by Labcorp Genetics (formerly Invitae), Labcorp); PubMed 16283883 (cited by Labcorp Genetics (formerly Invitae), Labcorp); PubMed 21610751 (cited by Labcorp Genetics (formerly Invitae), Labcorp); PubMed 21682854 (cited by Labcorp Genetics (formerly Invitae), Labcorp); PubMed 22484412 (cited by Labcorp Genetics (formerly Invitae), Labcorp).